The following is an entry in ClinVar:

NM_203447.4(DOCK8):c.2991C>A (p.His997Gln)

Gene: DOCK8 (dedicator of cytokinesis 8; plus strand). Cytogenetic location: 9p24.3.
Variant type: single nucleotide variant.
Coding change: c.2991C>A on transcript NM_203447.4 (MANE Select); coding-DNA position 2991, C replaced by A.
Protein change: p.His997Gln; replaces histidine 997 with glutamine.
Molecular consequence: missense variant.
Genome position (GRCh38, 1-based): chr9:396,805, C>A. VCF-style: chr9-396805-C-A. GRCh37 (hg19) VCF-style: chr9-396805-C-A.
Other names: c.2691C>A, p.His897Gln (NM_001190458.2); c.2787C>A, p.His929Gln (NM_001193536.2); short protein forms H897Q, H929Q, H997Q.
Identifiers: ClinVar variation 1997462 (VCV001997462.4), dbSNP rs190559109, ClinGen allele CA372752743.

ClinVar aggregate classification (germline): Uncertain significance (1 of 4 stars; one submission).

Conditions:
Combined immunodeficiency due to DOCK8 deficiency (HIES2). Also called: Hyper-IgE recurrent infection syndrome, autosomal recessive; HIES autosomal recessive; DOCK8 Deficiency; HYPER-IgE RECURRENT INFECTION SYNDROME 2, AUTOSOMAL RECESSIVE; HYPER-IgE SYNDROME 2, AUTOSOMAL RECESSIVE, WITH RECURRENT INFECTIONS. Identifiers: Orphanet 217390, MedGen C4722305, MONDO:0009478, OMIM 243700.

gnomAD v4.1: 1 of 1,614,090 alleles (0.000062%); highest among the groups gnomAD compares: Non-Finnish European, 0.000085%; no homozygotes.

Submission:

Labcorp Genetics (formerly Invitae), Labcorp
Classification: Uncertain significance for Combined immunodeficiency due to DOCK8 deficiency. Last evaluated: 2023-04-24. Review status: criteria provided, single submitter. Criteria: Invitae Variant Classification Sherloc (09022015). Collection method: clinical testing. Allele origin: germline.
Comment: In summary, the available evidence is currently insufficient to determine the role of this variant in disease. Therefore, it has been classified as a Variant of Uncertain Significance. Advanced modeling of protein sequence and biophysical properties (such as structural, functional, and spatial information, amino acid conservation, physicochemical variation, residue mobility, and thermodynamic stability) performed at Invitae indicates that this missense variant is not expected to disrupt DOCK8 protein function. ClinVar contains an entry for this variant (Variation ID: 1997462). This variant has not been reported in the literature in individuals affected with DOCK8-related conditions. This variant is not present in population databases (gnomAD no frequency). This sequence change replaces histidine, which is basic and polar, with glutamine, which is neutral and polar, at codon 997 of the DOCK8 protein (p.His997Gln).